The following is an entry in ClinVar:

NM_015466.4(PTPN23):c.3745G>A (p.Val1249Met)

Gene: PTPN23 (protein tyrosine phosphatase non-receptor type 23; plus strand). Cytogenetic location: 3p21.31.
Variant type: single nucleotide variant.
Coding change: c.3745G>A on transcript NM_015466.4 (MANE Select); coding-DNA position 3745, G replaced by A.
Protein change: p.Val1249Met; replaces valine 1249 with methionine.
Molecular consequence: missense variant.
Genome position (GRCh38, 1-based): chr3:47,411,543, G>A. VCF-style: chr3-47411543-G-A. GRCh37 (hg19) VCF-style: chr3-47453033-G-A.
Other names: c.3367G>A, p.Val1123Met (NM_001304482.2); c.3745G>A (NM_015466.2); short protein forms V1123M, V1249M.
Identifiers: ClinVar variation 1491348 (VCV001491348.40), dbSNP rs371405630, ClinGen allele CA2366340.

ClinVar aggregate classification (germline): Uncertain significance. Review status: criteria provided, multiple submitters, no conflicts (2 of 4 stars). 6 submissions from 6 submitters: Uncertain significance (6). Last evaluated 2024-11-11.

Conditions:
Inborn genetic diseases. Identifiers: MedGen C0950123, MeSH D030342.

Allele frequency attached by ClinVar (database versions not stated): gnomAD 0.00005 and 0.00006; TOPMed 0.00006; gnomAD exomes 0.00008 and 0.00011; ExAC 0.00013.
gnomAD v4.1: 129 of 1,612,762 alleles (0.008%); highest among the groups gnomAD compares: Middle Eastern, 0.12%; 1 homozygote.

Submissions (6):

Labcorp Genetics (formerly Invitae), Labcorp
Classification: Uncertain significance. Last evaluated: 2024-11-11. Review status: criteria provided, single submitter. Criteria: Invitae Variant Classification Sherloc (09022015). Collection method: clinical testing. Allele origin: germline.
Comment: This sequence change replaces valine, which is neutral and non-polar, with methionine, which is neutral and non-polar, at codon 1249 of the PTPN23 protein (p.Val1249Met). This variant is present in population databases (rs371405630, gnomAD 0.04%). This missense change has been observed in individual(s) with clinical features of PTPN23-related conditions (PMID: 33057194, 35982159). ClinVar contains an entry for this variant (Variation ID: 1491348). An algorithm developed to predict the effect of missense changes on protein structure and function (PolyPhen-2) suggests that this variant is likely to be disruptive. In summary, the available evidence is currently insufficient to determine the role of this variant in disease. Therefore, it has been classified as a Variant of Uncertain Significance.

Blueprint Genetics
Classification: Uncertain significance. Last evaluated: 2024-06-28. Review status: criteria provided, single submitter. Criteria: ACMG Guidelines, 2015. Collection method: clinical testing. Allele origin: germline.

GeneDx
Classification: Uncertain significance. Last evaluated: 2022-08-31. Review status: criteria provided, single submitter. Criteria: GeneDx Variant Classification Process June 2021. Collection method: clinical testing. Allele origin: germline. Affected: yes.
Comment: In silico analysis supports that this missense variant does not alter protein structure/function; Has not been previously published as pathogenic or benign to our knowledge

CeGaT Center for Human Genetics Tuebingen
Classification: Uncertain significance. Last evaluated: 2022-06-01. Review status: criteria provided, single submitter. Criteria: CeGaT Center For Human Genetics Tuebingen Variant Classification Criteria Version 2. Collection method: clinical testing. Allele origin: germline. Affected: yes. Observed: 1 variant allele.
Comment: PTPN23: PM2

Ambry Genetics
Classification: Uncertain significance for Inborn genetic diseases. Last evaluated: 2021-07-06. Review status: criteria provided, single submitter. Criteria: Ambry Variant Classification Scheme 2023. Collection method: clinical testing. Allele origin: germline.

Breakthrough Genomics
Classification: Uncertain significance. Review status: criteria provided, single submitter. Criteria: ACMG Guidelines, 2015. Collection method: not provided. Allele origin: germline. Inheritance: Autosomal recessive inheritance. Affected: yes.

Literature cited by the submitters: PubMed 33057194 (cited by Labcorp Genetics (formerly Invitae), Labcorp); PubMed 35982159 (cited by Labcorp Genetics (formerly Invitae), Labcorp).